The following is an entry in ClinVar:

NM_001999.4(FBN2):c.7942C>A (p.Gln2648Lys)

Gene: FBN2 (fibrillin 2; minus strand). Cytogenetic location: 5q23.3.
Variant type: single nucleotide variant.
Coding change: c.7942C>A on transcript NM_001999.4 (MANE Select); coding-DNA position 7942, C replaced by A.
Protein change: p.Gln2648Lys; replaces glutamine 2648 with lysine.
Molecular consequence: missense variant.
Genome position (GRCh38, 1-based): chr5:128,272,017, G>T on the plus strand (C>A on the coding strand, the complement: FBN2 is on the minus strand). VCF-style: chr5-128272017-G-T. GRCh37 (hg19) VCF-style: chr5-127607709-G-T.
Other names: short protein forms Q2648K.
Identifiers: ClinVar variation 213366 (VCV000213366.16), dbSNP rs375316758, ClinGen allele CA320496.

ClinVar aggregate classification (germline): Conflicting classifications of pathogenicity. Review status: criteria provided, conflicting classifications (1 of 4 stars). 6 submissions from 6 submitters: Uncertain significance (4); Benign (1); Likely benign (1). Last evaluated 2026-04-10.

Conditions:
Macular degeneration, early-onset (EOMD). Identifiers: MedGen C4015286, MONDO:0014501, OMIM 616118.
Congenital contractural arachnodactyly (CCA). Also called: BEALS SYNDROME; Beals-Hecht syndrome; Arthrogryposis, distal, type 9. Identifiers: Orphanet 115, MedGen C0220668, MONDO:0007363, OMIM 121050.
Familial thoracic aortic aneurysm and aortic dissection (TAAD). Also called: Thoracic aortic aneurysms and dissections. Identifiers: Orphanet 91387, MedGen C4707243, MONDO:0019625.

Allele frequency attached by ClinVar (database versions not stated): ExAC 0.00007; gnomAD exomes 0.00007 and 0.00017; ESP Exome Variant Server 0.00008; TOPMed 0.00009; gnomAD 0.00011.
gnomAD v4.1: 259 of 1,613,912 alleles (0.016%); highest among the groups gnomAD compares: Non-Finnish European, 0.021%; no homozygotes.

Submissions (6):

Women's Health and Genetics/Laboratory Corporation of America, LabCorp
Classification: Uncertain significance. Last evaluated: 2026-04-10. Review status: criteria provided, single submitter. Criteria: LabCorp Variant Classification Summary - May 2015. Collection method: clinical testing. Allele origin: germline.

Labcorp Genetics (formerly Invitae), Labcorp
Classification: Benign for Congenital contractural arachnodactyly. Last evaluated: 2026-01-17. Review status: criteria provided, single submitter. Criteria: Invitae Variant Classification Sherloc (09022015). Collection method: clinical testing. Allele origin: germline.

Ambry Genetics
Classification: Uncertain significance for Familial thoracic aortic aneurysm and aortic dissection. Last evaluated: 2025-05-07. Review status: criteria provided, single submitter. Criteria: Ambry Variant Classification Scheme 2023. Collection method: clinical testing. Allele origin: germline.
Comment: The p.Q2648K variant (also known as c.7942C>A), located in coding exon 62 of the FBN2 gene, results from a C to A substitution at nucleotide position 7942. The glutamine at codon 2648 is replaced by lysine, an amino acid with similar properties. This amino acid position is highly conserved in available vertebrate species. In addition, the in silico prediction for this alteration is inconclusive. Based on the available evidence, the clinical significance of this variant remains unclear.

GeneDx
Classification: Uncertain significance. Last evaluated: 2024-05-14. Review status: criteria provided, single submitter. Criteria: GeneDx Variant Classification Process June 2021. Collection method: clinical testing. Allele origin: germline. Affected: yes.
Comment: Has not been previously published as pathogenic or benign to our knowledge; In silico analysis supports that this missense variant does not alter protein structure/function; Although located in a calcium-binding EGF-like domain of the FBN2 gene, it does not affect a cysteine residue within this domain; cysteine substitutions in the calcium-binding EGF-like domains represent the majority of pathogenic missense changes associated with FBN2-related disorders (PMID: 18767143)

Blueprint Genetics
Classification: Likely benign. Last evaluated: 2024-05-02. Review status: criteria provided, single submitter. Criteria: ACMG Guidelines, 2015. Collection method: clinical testing. Allele origin: germline.

Fulgent Genetics
Classification: Uncertain significance for Congenital contractural arachnodactyly; Macular degeneration, early-onset. Last evaluated: 2024-02-03. Review status: criteria provided, single submitter. Criteria: ACMG Guidelines, 2015. Collection method: clinical testing. Allele origin: germline.